The following is an entry in ClinVar:

NM_182628.3(CFAP100):c.399G>A (p.Trp133Ter)

Gene: CFAP100 (cilia and flagella associated protein 100; plus strand). Cytogenetic location: 3q21.3.
Variant type: single nucleotide variant.
Coding change: c.399G>A on transcript NM_182628.3 (MANE Select); coding-DNA position 399, G replaced by A.
Protein change: p.Trp133Ter; replaces tryptophan 133 with a stop codon.
Molecular consequence: nonsense.
Genome position (GRCh38, 1-based): chr3:126,416,489, G>A. VCF-style: chr3-126416489-G-A. GRCh37 (hg19) VCF-style: chr3-126135332-G-A.
Other names: short protein forms W133*.
Identifiers: ClinVar variation 4871930 (VCV004871930.3).

ClinVar aggregate classification (germline): Conflicting classifications of pathogenicity. Review status: criteria provided, conflicting classifications (1 of 4 stars). 2 submissions from 2 submitters: Likely pathogenic (1); Likely benign (1). Last evaluated 2026-04-01.

Conditions:
Primary ciliary dyskinesia. Also called: Ciliary dyskinesia. Identifiers: Orphanet 244, MedGen C0008780, MONDO:0016575, HP:0012265.

gnomAD v4.1: 11,533 of 1,599,676 alleles (0.72%); highest among the groups gnomAD compares: Non-Finnish European, 0.76%; 79 homozygotes.

Submissions (2):

CeGaT Center for Human Genetics Tuebingen
Classification: Likely benign. Last evaluated: 2026-04-01. Review status: criteria provided, single submitter. Criteria: CeGaT Center For Human Genetics Tuebingen Variant Classification Criteria Version 2. Collection method: clinical testing. Allele origin: germline. Affected: yes. Observed: 1 variant allele.
Comment: CFAP100: BS2

Department of Human Genetics, Hannover Medical School
Classification: Likely pathogenic for Primary Ciliary Dyskinesia. Last evaluated: 2026-04-01. Review status: criteria provided, single submitter. Criteria: ACMG Guidelines, 2015. Collection method: research. Allele origin: germline. Affected: no.
Comment: Classification performed by HerediClassify using the following criteria:['PVS1_protein_very_strong: Transcript ENST00000352312 is predicted to undergo NMD.']